The following is an entry in ClinVar:

NM_005732.4(RAD50):c.3562A>G (p.Met1188Val)

Genes: TH2LCRR (T helper type 2 locus control region associated RNA; minus strand), TH2-LCR (Th2 cytokine locus control region; plus strand), RAD50 (RAD50 double strand break repair protein; plus strand). Cytogenetic location: 5q31.1.
Variant type: single nucleotide variant.
Coding change: c.3562A>G on transcript NM_005732.4 (MANE Select); coding-DNA position 3562, A replaced by G.
Protein change: p.Met1188Val; replaces methionine 1188 with valine.
Molecular consequence: missense variant. On other transcripts: non-coding transcript variant (3).
Genome position (GRCh38, 1-based): chr5:132,638,167, A>G. VCF-style: chr5-132638167-A-G. GRCh37 (hg19) VCF-style: chr5-131973859-A-G.
Other names: short protein forms M1188V.
Identifiers: ClinVar variation 2076131 (VCV002076131.4), dbSNP rs1581021189, ClinGen allele CA360932052.

ClinVar aggregate classification (germline): Uncertain significance (1 of 4 stars; one submission).

Conditions:
Hereditary cancer-predisposing syndrome. Also called: Hereditary Cancer Syndrome; Tumor predisposition; Hereditary neoplastic syndrome; Neoplastic Syndromes, Hereditary. Identifiers: Orphanet 140162, MedGen C0027672, MeSH D009386, MONDO:0015356.

Submission:

Labcorp Genetics (formerly Invitae), Labcorp
Classification: Uncertain significance for Hereditary cancer-predisposing syndrome. Last evaluated: 2025-07-30. Review status: criteria provided, single submitter. Criteria: Invitae Variant Classification Sherloc (09022015). Collection method: clinical testing. Allele origin: germline.
Comment: This sequence change replaces methionine, which is neutral and non-polar, with valine, which is neutral and non-polar, at codon 1188 of the RAD50 protein (p.Met1188Val). This variant is not present in population databases (gnomAD no frequency). This variant has not been reported in the literature in individuals affected with RAD50-related conditions. ClinVar contains an entry for this variant (Variation ID: 2076131). Invitae Evidence Modeling of protein sequence and biophysical properties (such as structural, functional, and spatial information, amino acid conservation, physicochemical variation, residue mobility, and thermodynamic stability) indicates that this missense variant is expected to disrupt RAD50 protein function with a positive predictive value of 80%. In summary, the available evidence is currently insufficient to determine the role of this variant in disease. Therefore, it has been classified as a Variant of Uncertain Significance.